The following is an entry in ClinVar:

ClinVar aggregate classification (germline): Benign/Likely benign. Review status: criteria provided, multiple submitters, no conflicts (2 of 4 stars). 3 submissions from 3 submitters: Benign (1); Likely benign (1). 1 of the submissions does not count toward it. Last evaluated 2024-08-05.

Conditions:
Fanconi-Bickel syndrome (FBS). Also called: FANCONI SYNDROME WITH INTESTINAL MALABSORPTION AND GALACTOSE INTOLERANCE; HEPATIC GLYCOGENOSIS WITH AMINO ACIDURIA AND GLUCOSURIA; HEPATIC GLYCOGENOSIS WITH FANCONI NEPHROPATHY; HEPATORENAL GLYCOGENOSIS WITH RENAL FANCONI SYNDROME; Glycogen storage disease due to GLUT2 deficiency; PSEUDO-PHLORIZIN DIABETES. Identifiers: Orphanet 2088, MedGen C3495427, MONDO:0009216, OMIM 227810.
SLC2A2-related disorder. Also called: SLC2A2-related condition.

Allele frequency attached by ClinVar (database versions not stated): TOPMed 0.00002; ESP Exome Variant Server 0.00008; gnomAD exomes 0.00011 and 0.00025; 1000 Genomes Project 30x 0.00016; 1000 Genomes Project 0.00020; ExAC 0.00025; gnomAD 0.00025.
gnomAD v4.1: 201 of 1,614,116 alleles (0.012%); highest among the groups gnomAD compares: Non-Finnish European, 0.0018%; no homozygotes.

Submissions (3):

Labcorp Genetics (formerly Invitae), Labcorp
Classification: Benign for Fanconi-Bickel syndrome. Last evaluated: 2024-08-05. Review status: criteria provided, single submitter. Criteria: Invitae Variant Classification Sherloc (09022015). Collection method: clinical testing. Allele origin: germline.

Blueprint Genetics
Classification: Likely benign. Last evaluated: 2024-07-16. Review status: criteria provided, single submitter. Criteria: ACMG Guidelines, 2015. Collection method: clinical testing. Allele origin: germline.

PreventionGenetics, part of Exact Sciences
Classification: Likely benign for SLC2A2-related condition. Last evaluated: 2020-02-27. Review status: no assertion criteria provided. Collection method: clinical testing. Allele origin: germline. Not counted in ClinVar's aggregate classification.
Comment: This variant is classified as likely benign based on ACMG/AMP sequence variant interpretation guidelines (Richards et al. 2015 PMID: 25741868, with internal and published modifications).

NM_000340.2(SLC2A2):c.216C>T (p.Tyr72=)

Gene: SLC2A2 (solute carrier family 2 member 2; minus strand). Cytogenetic location: 3q26.2.
Variant type: single nucleotide variant.
Coding change: c.216C>T on transcript NM_000340.2 (MANE Select); coding-DNA position 216, C replaced by T.
Protein change: p.Tyr72=; no amino-acid change (tyrosine 72 retained).
Molecular consequence: synonymous variant. On other transcripts: 5 prime UTR variant (1), intron variant (1).
Genome position (GRCh38, 1-based): chr3:171,014,624, G>A on the plus strand (C>T on the coding strand, the complement: SLC2A2 is on the minus strand). VCF-style: chr3-171014624-G-A. GRCh37 (hg19) VCF-style: chr3-170732413-G-A.
Other names: c.216C>T (NM_000340.1); c.-179C>T (NM_001278659.2); c.14+3907C>T (NM_001278658.2).
Identifiers: ClinVar variation 1664024 (VCV001664024.11), dbSNP rs139231189, ClinGen allele CA2702739.
Genomic context (GRCh38, chr3:171,014,624, plus strand): 5'-TAGTTGAGCAGCTGCCACAGTCTCTTCCTCAGCCCAAGGGGTTGGTTTTGGGTTCATTGA[G>A]TATGAGATTGTGGGCAGTTCATCTGTACTGTTGATAACATAGTTGTTGATAGCTTTTCGG-3'
Protein context (NP_000331.1, residues 62-82): NSTDELPTIS[Tyr72=]SMNPKPTPWA